The following is an entry in ClinVar:

NM_000548.5(TSC2):c.1542C>T (p.Asp514=)

Gene: TSC2 (TSC complex subunit 2; plus strand). Cytogenetic location: 16p13.3.
Variant type: single nucleotide variant.
Coding change: c.1542C>T on transcript NM_000548.5 (MANE Select); coding-DNA position 1542, C replaced by T.
Protein change: p.Asp514=; no amino-acid change (aspartic acid 514 retained).
Molecular consequence: synonymous variant. On other transcripts: 5 prime UTR variant (1), non-coding transcript variant (5).
Genome position (GRCh38, 1-based): chr16:2,064,370, C>T. VCF-style: chr16-2064370-C-T. GRCh37 (hg19) VCF-style: chr16-2114371-C-T.
Other names: c.1542C>T, p.Asp514= (NM_001077183.3, NM_001114382.3, NM_001363528.2 and 6 more transcripts); c.1431C>T, p.Asp477= (NM_001318827.2, NM_001406670.1, NM_001406678.1); c.1395C>T, p.Asp465= (NM_001318829.2, NM_001406675.1, NM_001406676.1 and 1 more transcripts); c.942C>T, p.Asp314= (NM_001318831.2, NM_001406680.1, NM_001406682.1 and 6 more transcripts); c.1575C>T, p.Asp525= (NM_001318832.2); c.1632C>T, p.Asp544= (NM_001406667.1, NM_001406668.1); c.1530C>T, p.Asp510= (NM_001406671.1, NM_001406673.1); c.1485C>T, p.Asp495= (NM_001406677.1); and 3 more.
Identifiers: ClinVar variation 1692481 (VCV001692481.3), dbSNP rs2151190617, ClinGen allele CA492963001.
Genomic context (GRCh38, chr16:2,064,370, plus strand): 5'-CCACATCCCCGAGGATAAAGACCACCAGGTCCGAAAGCTGGCCACCCAGTTGCTGGTGGA[C>T]CTGGCAGAGGGCTGCCACACACACCACTTCAACAGCCTGCTGGACATCATCGAGAAGGTG-3'
Protein context (NP_000539.2, residues 504-524): VRKLATQLLV[Asp514=]LAEGCHTHHF

ClinVar aggregate classification (germline): Conflicting classifications of pathogenicity. Review status: criteria provided, conflicting classifications (1 of 4 stars). 2 submissions from 2 submitters: Uncertain significance (1); Likely benign (1). Last evaluated 2024-05-20.

Conditions:
Hereditary cancer-predisposing syndrome. Also called: Neoplastic Syndromes, Hereditary; Hereditary Cancer Syndrome; Tumor predisposition; Hereditary neoplastic syndrome. Identifiers: Orphanet 140162, MedGen C0027672, MeSH D009386, MONDO:0015356.
Tuberous sclerosis 2 (TSC2). Identifiers: Orphanet 805, MedGen C1860707, MONDO:0013199, OMIM 613254.

Submissions (2):

Labcorp Genetics (formerly Invitae), Labcorp
Classification: Likely benign for Tuberous sclerosis 2. Last evaluated: 2024-05-20. Review status: criteria provided, single submitter. Criteria: Invitae Variant Classification Sherloc (09022015). Collection method: clinical testing. Allele origin: germline.

Sema4
Classification: Uncertain significance for Hereditary cancer-predisposing syndrome. Last evaluated: 2021-09-16. Review status: criteria provided, single submitter. Criteria: Sema4 Curation Guidelines. Collection method: curation. Allele origin: germline.
Comment: The TSC2 c.1542C>T (p.D514=) variant has not been reported in literature to our knowledge This variant was not observed in the large and broad cohorts of the Genome Aggregation Database (PMID: 32461654). This variant has not been reported in ClinVar. The nucleotide is moderately conserved and in silico tools that predict the effect of sequence changes on splicing suggest that this variant may not impact splicing, though these predictions have not been confirmed by functional studies. The overall evidence is insufficient to meet ACMG/AMP criteria for classifying it as benign or pathogenic. In summary, the clinical significance of this variant is currently uncertain.